The following is an entry in ClinVar:

NM_004168.4(SDHA):c.812C>G (p.Thr271Ser)

Gene: SDHA (succinate dehydrogenase complex flavoprotein subunit A; plus strand). Cytogenetic location: 5p15.33.
Variant type: single nucleotide variant.
Coding change: c.812C>G on transcript NM_004168.4 (MANE Select); coding-DNA position 812, C replaced by G.
Protein change: p.Thr271Ser; replaces threonine 271 with serine.
Molecular consequence: missense variant.
Genome position (GRCh38, 1-based): chr5:230,917, C>G. VCF-style: chr5-230917-C-G. GRCh37 (hg19) VCF-style: chr5-231032-C-G.
Other names: c.668C>G, p.Thr223Ser (NM_001294332.2); c.812C>G, p.Thr271Ser (NM_001330758.2); short protein forms T271S, T223S.
Identifiers: ClinVar variation 412341 (VCV000412341.17), dbSNP rs765611464, ClinGen allele CA3172999.
Genomic context (GRCh38, chr5:230,917, plus strand): 5'-TGCTCTCTATTGTTTCCAGAGGCTACGGGCGCACCTACTTCAGCTGCACGTCTGCCCACA[C>G]CAGCACTGGCGACGGCACGGCCATGATCACCAGGGCAGGCCTTCCTTGCCAGGACCTAGA-3'
Protein context (NP_004159.2, residues 261-281): RTYFSCTSAH[Thr271Ser]STGDGTAMIT

ClinVar aggregate classification (germline): Uncertain significance. Review status: criteria provided, multiple submitters, no conflicts (2 of 4 stars). 4 submissions from 4 submitters: Uncertain significance (4). Last evaluated 2025-08-20.

Conditions:
Mitochondrial complex II deficiency, nuclear type 1. Also called: SUCCINATE CoQ REDUCTASE DEFICIENCY. Identifiers: Orphanet 3208, MedGen C5700310, MONDO:0100294, OMIM 252011.
Pheochromocytoma/paraganglioma syndrome 5. Also called: SDHA-Related Hereditary Paraganglioma-Pheochromocytoma Syndrome; Paragangliomas 5. Identifiers: Orphanet 29072, MedGen C3279992, MONDO:0013602, OMIM 614165.
Hereditary cancer-predisposing syndrome. Also called: Neoplastic Syndromes, Hereditary; Hereditary Cancer Syndrome; Tumor predisposition; Hereditary neoplastic syndrome. Identifiers: Orphanet 140162, MedGen C0027672, MeSH D009386, MONDO:0015356.
Leigh syndrome (NULS). Also called: Leigh's syndrome; Leigh Syndrome (mtDNA deletion); Leigh Disease; Subacute necrotizing encephalopathy; Necrotizing encephalopathy infantile subacute of Leigh; LEIGH SYNDROME, NUCLEAR. Identifiers: Orphanet 506, MedGen C2931891, MONDO:0009723, OMIM 256000.
Dilated cardiomyopathy 1GG (CMD1GG). Identifiers: Orphanet 154, MedGen C3150898, MONDO:0013339, OMIM 613642.

Allele frequency attached by ClinVar (database versions not stated): gnomAD exomes below 0.00001; ExAC 0.00001; gnomAD 0.00001; TOPMed 0.00002.
gnomAD v4.1: 5 of 1,613,974 alleles (0.00031%); highest among the groups gnomAD compares: African/African-American, 0.004%; no homozygotes.

Submissions (5):

Labcorp Genetics (formerly Invitae), Labcorp
Classification: Uncertain significance for Pheochromocytoma/paraganglioma syndrome 5; Mitochondrial complex II deficiency, nuclear type 1. Last evaluated: 2025-08-20. Review status: criteria provided, single submitter. Criteria: Invitae Variant Classification Sherloc (09022015). Collection method: clinical testing. Allele origin: germline.
Comment: This sequence change replaces threonine, which is neutral and polar, with serine, which is neutral and polar, at codon 271 of the SDHA protein (p.Thr271Ser). This variant is not present in population databases (gnomAD no frequency). This variant has not been reported in the literature in individuals affected with SDHA-related conditions. ClinVar contains an entry for this variant (Variation ID: 412341). Invitae Evidence Modeling of protein sequence and biophysical properties (such as structural, functional, and spatial information, amino acid conservation, physicochemical variation, residue mobility, and thermodynamic stability) indicates that this missense variant is not expected to disrupt SDHA protein function with a negative predictive value of 95%. In summary, the available evidence is currently insufficient to determine the role of this variant in disease. Therefore, it has been classified as a Variant of Uncertain Significance.

Ambry Genetics
Classification: Uncertain significance for Hereditary cancer-predisposing syndrome. Last evaluated: 2025-05-19. Review status: criteria provided, single submitter. Criteria: Ambry Variant Classification Scheme 2023. Collection method: clinical testing. Allele origin: germline.
Comment: The p.T271S variant (also known as c.812C>G), located in coding exon 7 of the SDHA gene, results from a C to G substitution at nucleotide position 812. The threonine at codon 271 is replaced by serine, an amino acid with similar properties. This amino acid position is highly conserved in available vertebrate species. In addition, the in silico prediction for this alteration is inconclusive. Since supporting evidence is limited at this time, the clinical significance of this alteration remains unclear.

GeneDx
Classification: Uncertain significance. Last evaluated: 2019-05-12. Review status: criteria provided, single submitter. Criteria: GeneDx Variant Classification Process June 2021. Collection method: clinical testing. Allele origin: germline. Affected: yes.
Comment: Not observed in large population cohorts (Lek et al., 2016); In silico analysis, which includes protein predictors and evolutionary conservation, supports a deleterious effect; Has not been previously published as pathogenic or benign to our knowledge

Fulgent Genetics
Classification: Uncertain significance for Mitochondrial complex II deficiency, nuclear type 1; Leigh syndrome; Dilated cardiomyopathy 1GG; Pheochromocytoma/paraganglioma syndrome 5. Last evaluated: 2018-10-31. Review status: criteria provided, single submitter. Criteria: ACMG Guidelines, 2015. Collection method: clinical testing. Allele origin: unknown.

Dr. Peter K. Rogan Lab, Western University
No classification provided (evidence only). Condition: Colorectal cancer. Review status: no classification provided. Collection method: in vitro. Allele origin: not applicable. Functional consequence: retained intron. Not counted in ClinVar's aggregate classification.